The following is an entry in ClinVar:

NM_015311.3(OBSL1):c.2666C>T (p.Thr889Ile)

Gene: OBSL1 (obscurin like cytoskeletal adaptor 1; minus strand). Cytogenetic location: 2q35.
Variant type: single nucleotide variant.
Coding change: c.2666C>T on transcript NM_015311.3 (MANE Select); coding-DNA position 2666, C replaced by T.
Protein change: p.Thr889Ile; replaces threonine 889 with isoleucine.
Molecular consequence: missense variant.
Genome position (GRCh38, 1-based): chr2:219,563,369, G>A on the plus strand (C>T on the coding strand, the complement: OBSL1 is on the minus strand). VCF-style: chr2-219563369-G-A. GRCh37 (hg19) VCF-style: chr2-220428091-G-A.
Other names: c.2666C>T, p.Thr889Ile (NM_001173408.2, NM_001173431.2); short protein forms T889I.
Identifiers: ClinVar variation 2111634 (VCV002111634.4), dbSNP rs1255037464, ClinGen allele CA350746474.

ClinVar aggregate classification (germline): Uncertain significance (1 of 4 stars; one submission).

Allele frequency attached by ClinVar (database versions not stated): gnomAD exomes below 0.00001; gnomAD 0.00001; TOPMed 0.00001.
gnomAD v4.1: 3 of 1,578,000 alleles (0.00019%); highest among the groups gnomAD compares: Non-Finnish European, 0.00026%; no homozygotes.

Submission:

Labcorp Genetics (formerly Invitae), Labcorp
Classification: Uncertain significance. Last evaluated: 2022-09-01. Review status: criteria provided, single submitter. Criteria: Invitae Variant Classification Sherloc (09022015). Collection method: clinical testing. Allele origin: germline.
Comment: In summary, the available evidence is currently insufficient to determine the role of this variant in disease. Therefore, it has been classified as a Variant of Uncertain Significance. Algorithms developed to predict the effect of missense changes on protein structure and function are either unavailable or do not agree on the potential impact of this missense change (SIFT: "Deleterious"; PolyPhen-2: "Possibly Damaging"; Align-GVGD: "Class C0"). This variant has not been reported in the literature in individuals affected with OBSL1-related conditions. The frequency data for this variant in the population databases is considered unreliable, as metrics indicate poor data quality at this position in the gnomAD database. This sequence change replaces threonine, which is neutral and polar, with isoleucine, which is neutral and non-polar, at codon 889 of the OBSL1 protein (p.Thr889Ile).